The following is an entry in ClinVar:

NM_001957.4(EDNRA):c.98A>G (p.His33Arg)

Gene: EDNRA (endothelin receptor type A; plus strand). Cytogenetic location: 4q31.22.
Variant type: single nucleotide variant.
Coding change: c.98A>G on transcript NM_001957.4 (MANE Select); coding-DNA position 98, A replaced by G.
Protein change: p.His33Arg; replaces histidine 33 with arginine.
Molecular consequence: missense variant. On other transcripts: non-coding transcript variant (1).
Genome position (GRCh38, 1-based): chr4:147,485,779, A>G. VCF-style: chr4-147485779-A-G. GRCh37 (hg19) VCF-style: chr4-148406931-A-G.
Other names: c.98A>G, p.His33Arg (NM_001166055.2, NM_001354797.2); c.98A>G (NM_001957.3); short protein forms H33R.
Identifiers: ClinVar variation 3012016 (VCV003012016.4), dbSNP rs746216943, ClinGen allele CA3097823.
Genomic context (GRCh38, chr4:147,485,779, plus strand): 5'-CACTGGTTGGATGTGTAATCAGTGATAATCCTGAGAGATACAGCACAAATCTAAGCAATC[A>G]TGTGGATGATTTCACCACTTTTCGTGGCACAGAGCTCAGCTTCCTGGTTACCACTCATCA-3'
Protein context (NP_001948.1, residues 23-43): PERYSTNLSN[His33Arg]VDDFTTFRGT

ClinVar aggregate classification (germline): Uncertain significance. Review status: criteria provided, multiple submitters, no conflicts (2 of 4 stars). 2 submissions from 2 submitters: Uncertain significance (2). Last evaluated 2025-10-07.

Conditions:
Inborn genetic diseases. Identifiers: MedGen C0950123, MeSH D030342.

Allele frequency attached by ClinVar (database versions not stated): TOPMed below 0.00001; ExAC 0.00001; gnomAD 0.00001; gnomAD exomes 0.00001.
gnomAD v4.1: 9 of 1,614,138 alleles (0.00056%); highest among the groups gnomAD compares: Middle Eastern, 0.016%; no homozygotes.

Submissions (2):

Ambry Genetics
Classification: Uncertain significance for Inborn genetic diseases. Last evaluated: 2025-10-07. Review status: criteria provided, single submitter. Criteria: Ambry Variant Classification Scheme 2023. Collection method: clinical testing. Allele origin: germline.

Labcorp Genetics (formerly Invitae), Labcorp
Classification: Uncertain significance. Last evaluated: 2023-06-06. Review status: criteria provided, single submitter. Criteria: Invitae Variant Classification Sherloc (09022015). Collection method: clinical testing. Allele origin: germline.
Comment: This variant has not been reported in the literature in individuals affected with EDNRA-related conditions. In summary, the available evidence is currently insufficient to determine the role of this variant in disease. Therefore, it has been classified as a Variant of Uncertain Significance. Algorithms developed to predict the effect of missense changes on protein structure and function output the following: SIFT: "Not Available"; PolyPhen-2: "Benign"; Align-GVGD: "Not Available". The arginine amino acid residue is found in multiple mammalian species, which suggests that this missense change does not adversely affect protein function. This variant is present in population databases (rs746216943, gnomAD 0.002%). This sequence change replaces histidine, which is basic and polar, with arginine, which is basic and polar, at codon 33 of the EDNRA protein (p.His33Arg).